The following is an entry in ClinVar:

NM_015046.7(SETX):c.5824A>G (p.Ile1942Val)

Gene: SETX (senataxin; minus strand). Cytogenetic location: 9q34.13.
Variant type: single nucleotide variant.
Coding change: c.5824A>G on transcript NM_015046.7 (MANE Select); coding-DNA position 5824, A replaced by G.
Protein change: p.Ile1942Val; replaces isoleucine 1942 with valine.
Molecular consequence: missense variant.
Genome position (GRCh38, 1-based): chr9:132,297,012, T>C on the plus strand (A>G on the coding strand, the complement: SETX is on the minus strand). VCF-style: chr9-132297012-T-C. GRCh37 (hg19) VCF-style: chr9-135172399-T-C.
Other names: c.5824A>G, p.Ile1942Val (NM_001351527.2, NM_001351528.2); short protein forms I1942V.
Identifiers: ClinVar variation 2199500 (VCV002199500.5), dbSNP rs1844712638, ClinGen allele CA375344614.

ClinVar aggregate classification (germline): Uncertain significance. Review status: criteria provided, multiple submitters, no conflicts (2 of 4 stars). 2 submissions from 2 submitters: Uncertain significance (2). Last evaluated 2025-12-22.

Conditions:
Inborn genetic diseases. Identifiers: MedGen C0950123, MeSH D030342.
Spinocerebellar ataxia, autosomal recessive, with axonal neuropathy 2 (SCAN2). Also called: ATAXIA-OCULOMOTOR APRAXIA 2; Ataxia-ocular apraxia-2; Ataxia with Oculomotor Apraxia; Ataxia with Oculomotor Apraxia Type 2. Identifiers: Orphanet 64753, MedGen C1853761, MONDO:0018996, OMIM 606002.
Amyotrophic lateral sclerosis type 4 (ALS4). Also called: AMYOTROPHIC LATERAL SCLEROSIS 4, JUVENILE; NEURONOPATHY, DISTAL HEREDITARY MOTOR, WITH PYRAMIDAL FEATURES. Identifiers: Orphanet 357043, MedGen C1865409, MONDO:0011223, OMIM 602433.

Allele frequency attached by ClinVar (database versions not stated): gnomAD exomes 0.00001; TOPMed 0.00001.
gnomAD v4.1: 9 of 1,613,982 alleles (0.00056%); highest among the groups gnomAD compares: African/African-American, 0.0013%; 1 homozygote.

Submissions (2):

Ambry Genetics
Classification: Uncertain significance for Inborn genetic diseases. Last evaluated: 2025-12-22. Review status: criteria provided, single submitter. Criteria: Ambry Variant Classification Scheme 2023. Collection method: clinical testing. Allele origin: germline.

Labcorp Genetics (formerly Invitae), Labcorp
Classification: Uncertain significance for Amyotrophic lateral sclerosis type 4; Spinocerebellar ataxia, autosomal recessive, with axonal neuropathy 2. Last evaluated: 2022-06-19. Review status: criteria provided, single submitter. Criteria: Invitae Variant Classification Sherloc (09022015). Collection method: clinical testing. Allele origin: germline.
Comment: In summary, the available evidence is currently insufficient to determine the role of this variant in disease. Therefore, it has been classified as a Variant of Uncertain Significance. Advanced modeling of protein sequence and biophysical properties (such as structural, functional, and spatial information, amino acid conservation, physicochemical variation, residue mobility, and thermodynamic stability) performed at Invitae indicates that this missense variant is not expected to disrupt SETX protein function. This variant has not been reported in the literature in individuals affected with SETX-related conditions. This variant is not present in population databases (gnomAD no frequency). This sequence change replaces isoleucine, which is neutral and non-polar, with valine, which is neutral and non-polar, at codon 1942 of the SETX protein (p.Ile1942Val).